The following is an entry in ClinVar:

ClinVar aggregate classification (germline): Likely benign (1 of 4 stars; one submission).

gnomAD v4.1: 92 of 1,614,000 alleles (0.0057%); highest among the groups gnomAD compares: Middle Eastern, 0.033%; no homozygotes.

Submission:

CeGaT Center for Human Genetics Tuebingen
Classification: Likely benign. Last evaluated: 2025-07-01. Review status: criteria provided, single submitter. Criteria: CeGaT Center For Human Genetics Tuebingen Variant Classification Criteria Version 2. Collection method: clinical testing. Allele origin: germline. Affected: yes. Observed: 1 variant allele.
Comment: EXOC7: BP4, BP7

NM_001013839.4(EXOC7):c.972G>A (p.Ala324=)

Gene: EXOC7 (exocyst complex component 7; minus strand). Cytogenetic location: 17q25.1.
Variant type: single nucleotide variant.
Coding change: c.972G>A on transcript NM_001013839.4 (MANE Select); coding-DNA position 972, G replaced by A.
Protein change: p.Ala324=; no amino-acid change (alanine 324 retained).
Molecular consequence: synonymous variant.
Genome position (GRCh38, 1-based): chr17:76,089,250, C>T on the plus strand (G>A on the coding strand, the complement: EXOC7 is on the minus strand). VCF-style: chr17-76089250-C-T. GRCh37 (hg19) VCF-style: chr17-74085331-C-T.
Other names: c.1125G>A, p.Ala375= (NM_001145297.4); c.948G>A, p.Ala316= (NM_001145298.4); c.1041G>A, p.Ala347= (NM_001145299.4, NM_001375976.1); c.849G>A, p.Ala283= (NM_001282313.2); c.972G>A, p.Ala324= (NM_001375974.1); c.879G>A, p.Ala293= (NM_001375975.1, NM_015219.5).
Identifiers: ClinVar variation 4084112 (VCV004084112.8).
Genomic context (GRCh38, chr17:76,089,250, plus strand): 5'-GAAGGTCTTCTTCTGGTGGTGCTCGGGGATGATGTCGGCCAGCAGCTGGTACTCGCTCTG[C>T]GCCAGCTTGACGAAGGCACTGACGCAGTGGATGTAGGCATCGGTCTCCACGTCCAGCATG-3'
Protein context (NP_001013861.1, residues 314-334): IHCVSAFVKL[Ala324=]QSEYQLLADI